The following is an entry in ClinVar:

ClinVar aggregate classification (germline): Uncertain significance. Review status: criteria provided, multiple submitters, no conflicts (2 of 4 stars). 2 submissions from 2 submitters: Uncertain significance (2). Last evaluated 2023-07-27.

Conditions:
Histidinemia. Also called: Deficiency of histidine ammonia-lyase; Hyperhistidinemia; HAL DEFICIENCY; HIS DEFICIENCY; HISTIDASE DEFICIENCY; HISTIDINE AMMONIA-LYASE DEFICIENCY. Identifiers: Orphanet 2157, MedGen C0220992, MONDO:0009345, OMIM 235800, HP:0010906.

Allele frequency attached by ClinVar (database versions not stated): gnomAD 0.00001; gnomAD exomes 0.00001; ExAC 0.00002; TOPMed 0.00002; ESP Exome Variant Server 0.00008.

Submissions (2):

3billion
Classification: Uncertain significance for Histidinemia. Last evaluated: 2023-07-27. Review status: criteria provided, single submitter. Criteria: ACMG Guidelines, 2015. Collection method: clinical testing. Allele origin: germline. Affected: yes.
Comment: The variant is observed at an extremely low frequency in the gnomAD v2.1.1 dataset (total allele frequency: 0.001%). Predicted Consequence/Location: Missense variant Therefore, this variant is classified as VUS according to the recommendation of ACMG/AMP guideline.

Illumina Laboratory Services, Illumina
Classification: Uncertain significance for Histidinemia. Last evaluated: 2018-01-13. Review status: criteria provided, single submitter. Criteria: ICSL Variant Classification Criteria 13 December 2019. Collection method: clinical testing. Allele origin: germline.

NM_002108.4(HAL):c.368C>T (p.Thr123Met)

Gene: HAL (histidine ammonia-lyase; minus strand). Cytogenetic location: 12q23.1.
Variant type: single nucleotide variant.
Coding change: c.368C>T on transcript NM_002108.4 (MANE Select); coding-DNA position 368, C replaced by T.
Protein change: p.Thr123Met; replaces threonine 123 with methionine.
Molecular consequence: missense variant. On other transcripts: 5 prime UTR variant (1).
Genome position (GRCh38, 1-based): chr12:95,994,133, G>A on the plus strand (C>T on the coding strand, the complement: HAL is on the minus strand). VCF-style: chr12-95994133-G-A. GRCh37 (hg19) VCF-style: chr12-96387911-G-A.
Other names: c.-190C>T (NM_001258333.2); c.368C>T, p.Thr123Met (NM_001258334.2); short protein forms T123M.
Identifiers: ClinVar variation 881911 (VCV000881911.5), dbSNP rs139831415, ClinGen allele CA6728041.
Genomic context (GRCh38, chr12:95,994,133, plus strand): 5'-CCCCTCCCTCCCCATACCTTTATTTTGTAGCGTCCCTTTCCCAAGTTGACCAGATCCTCC[G>A]TGGTCAGACGGTCTCCATCTAACTCGATGTACTACACAAAAGAAGGGGATCTCAGTGAGT-3'
Protein context (NP_002099.1, residues 113-133): YIELDGDRLT[Thr123Met]EDLVNLGKGR